The following is an entry in ClinVar:

ClinVar aggregate classification (germline): Uncertain significance (1 of 4 stars; one submission).

Conditions:
Familial cold autoinflammatory syndrome 3 (FCAS3). Also called: FAMILIAL ATYPICAL COLD URTICARIA; ANTIBODY DEFICIENCY AND IMMUNE DYSREGULATION, PLCG2-ASSOCIATED. Identifiers: Orphanet 300359, MedGen C3280914, MONDO:0013766, OMIM 614468.

Submission:

Labcorp Genetics (formerly Invitae), Labcorp
Classification: Uncertain significance for Familial cold autoinflammatory syndrome 3. Last evaluated: 2022-05-20. Review status: criteria provided, single submitter. Criteria: Invitae Variant Classification Sherloc (09022015). Collection method: clinical testing. Allele origin: germline.
Comment: In summary, the available evidence is currently insufficient to determine the role of this variant in disease. Therefore, it has been classified as a Variant of Uncertain Significance. This sequence change replaces proline, which is neutral and non-polar, with leucine, which is neutral and non-polar, at codon 999 of the PLCG2 protein (p.Pro999Leu). This variant is not present in population databases (gnomAD no frequency). This variant has not been reported in the literature in individuals affected with PLCG2-related conditions. Algorithms developed to predict the effect of missense changes on protein structure and function (SIFT, PolyPhen-2, Align-GVGD) all suggest that this variant is likely to be disruptive.

NM_002661.5(PLCG2):c.2996C>T (p.Pro999Leu)

Gene: PLCG2 (phospholipase C gamma 2; plus strand). Cytogenetic location: 16q23.3.
Variant type: single nucleotide variant.
Coding change: c.2996C>T on transcript NM_002661.5 (MANE Select); coding-DNA position 2996, C replaced by T.
Protein change: p.Pro999Leu; replaces proline 999 with leucine.
Molecular consequence: missense variant.
Genome position (GRCh38, 1-based): chr16:81,936,322, C>T. VCF-style: chr16-81936322-C-T. GRCh37 (hg19) VCF-style: chr16-81969927-C-T.
Other names: short protein forms P999L.
Identifiers: ClinVar variation 1949308 (VCV001949308.5), dbSNP rs2507754499, ClinGen allele CA396906095.